The following is an entry in ClinVar:

NM_005585.5(SMAD6):c.318_320delinsAGG (p.Asp106_Val107delinsGluGly)

Gene: SMAD6 (SMAD family member 6; plus strand). Cytogenetic location: 15q22.31.
Variant type: Indel.
Coding change: c.318_320delinsAGG on transcript NM_005585.5 (MANE Select); coding-DNA positions 318 to 320, CGT replaced by AGG.
Protein change: p.Asp106_Val107delinsGluGly.
Molecular consequence: missense variant. On other transcripts: non-coding transcript variant (1).
Genome position (GRCh38, 1-based): chr15:66,703,576-66,703,578, CGT replaced by AGG. VCF-style: chr15-66703576-CGT-AGG. GRCh37 (hg19) VCF-style: chr15-66995914-CGT-AGG.
Identifiers: ClinVar variation 405519 (VCV000405519.5), dbSNP rs1060500751, ClinGen allele CA16614716.

ClinVar aggregate classification (germline): Uncertain significance (1 of 4 stars; one submission).

Conditions:
Aortic valve disease 2 (AOVD2). Identifiers: MedGen C3542024, MONDO:0013902, OMIM 614823.

Submission:

Labcorp Genetics (formerly Invitae), Labcorp
Classification: Uncertain significance for Aortic valve disease 2. Last evaluated: 2016-05-30. Review status: criteria provided, single submitter. Criteria: Invitae Variant Classification Sherloc (09022015). Collection method: clinical testing. Allele origin: germline.
Comment: In summary, this is a novel in-frame change with an unknown effect on protein function. For these reasons it has been classified as a Variant of Uncertain Significance. Experimental studies evaluating the effect of this in-frame deletion have not been published. While this variant is not present in population databases, the frequency information is unreliable, as metrics indicate poor data quality at this position in the ExAC database. This sequence change deletes 3 nucleotides and inserts 3 in exon 1 of the SMAD6 mRNA (c.318_320delinsAGG). This leads to the deletion of 2 amino acid residues in the SMAD6 protein and the insertion of glutamic acid and glycine (p.Asp106_Val107delinsGluGly) but otherwise preserves the integrity of the reading frame.